The following is an entry in ClinVar:

NM_138295.5(PKD1L1):c.7787G>T (p.Arg2596Leu)

Genes: PKD1L1 (polycystin 1 like 1, transient receptor potential channel interacting; minus strand), PKD1L1-AS1 (PKD1L1 antisense RNA 1; plus strand). Cytogenetic location: 7p12.3.
Variant type: single nucleotide variant.
Coding change: c.7787G>T on transcript NM_138295.5 (MANE Select); coding-DNA position 7787, G replaced by T.
Protein change: p.Arg2596Leu; replaces arginine 2596 with leucine.
Molecular consequence: missense variant.
Genome position (GRCh38, 1-based): chr7:47,808,287, C>A on the plus strand (G>T on the coding strand, the complement: PKD1L1 is on the minus strand). VCF-style: chr7-47808287-C-A. GRCh37 (hg19) VCF-style: chr7-47847885-C-A.
Other names: c.7787G>T (NM_138295.3); short protein forms R2596L.
Identifiers: ClinVar variation 2860732 (VCV002860732.4), dbSNP rs147668180, ClinGen allele CA4251925.

ClinVar aggregate classification (germline): Conflicting classifications of pathogenicity. Review status: criteria provided, conflicting classifications (1 of 4 stars). 2 submissions from 2 submitters: Uncertain significance (1); Likely benign (1). Last evaluated 2026-05-22.

Conditions:
PKD1L1-related disorder. Also called: PKD1L1-related condition.

Allele frequency attached by ClinVar (database versions not stated): TOPMed 0.00036; gnomAD 0.00037; ESP Exome Variant Server 0.00077.

Submissions (2):

PreventionGenetics, part of Exact Sciences
Classification: Uncertain significance for PKD1L1-related condition. Last evaluated: 2026-05-22. Review status: criteria provided, single submitter. Criteria: ACMG Guidelines, 2015. Collection method: clinical testing. Allele origin: germline.
Comment: The PKD1L1 c.7787G>T variant is predicted to result in the amino acid substitution p.Arg2596Leu. To our knowledge, this variant has not been reported in the literature. This variant is reported in 0.056% of alleles in individuals of European (Non-Finnish) descent in gnomAD, including one homozygote, which may be too frequent to be a primary cause of disease. Although we suspect that this variant may be benign, the clinical significance of this variant is currently classified as uncertain due to the absence of conclusive functional and genetic evidence.

Labcorp Genetics (formerly Invitae), Labcorp
Classification: Likely benign. Last evaluated: 2024-12-22. Review status: criteria provided, single submitter. Criteria: Invitae Variant Classification Sherloc (09022015). Collection method: clinical testing. Allele origin: germline.